The following is an entry in ClinVar:

NM_001127222.2(CACNA1A):c.*544C>A

Gene: CACNA1A (calcium voltage-gated channel subunit alpha1 A; minus strand). Cytogenetic location: 19p13.13.
Variant type: single nucleotide variant.
Coding change: c.*544C>A on transcript NM_001127222.2 (MANE Select); 544 bases downstream of the stop codon, C replaced by A.
Molecular consequence: 3 prime UTR variant.
Genome position (GRCh38, 1-based): chr19:13,206,769, G>T on the plus strand (C>A on the coding strand, the complement: CACNA1A is on the minus strand). VCF-style: chr19-13206769-G-T. GRCh37 (hg19) VCF-style: chr19-13317583-G-T.
Other names: c.*1277C>A (NM_000068.4, NM_001127221.2, NM_001174080.2); c.*544C>A (NM_023035.3).
Identifiers: ClinVar variation 3233657 (VCV003233657.2), dbSNP rs141221917, ClinGen allele CA2582808796.

ClinVar aggregate classification (germline): Uncertain significance (1 of 4 stars; one submission).

Submission:

Women's Health and Genetics/Laboratory Corporation of America, LabCorp
Classification: Uncertain significance. Last evaluated: 2024-03-05. Review status: criteria provided, single submitter. Criteria: LabCorp Variant Classification Summary - May 2015. Collection method: clinical testing. Allele origin: germline.
Comment: Variant summary: CACNA1A c.*1277C>A is located in the untranslated mRNA region downstream of the termination codon. The variant was absent in 31218 control chromosomes (gnomAD). The available data on variant occurrences in the general population are insufficient to allow any conclusion about variant significance. To our knowledge, no occurrence of c.*1277C>A in individuals affected with Epileptic Encephalopathy, Early Infantile, 42 and no experimental evidence demonstrating its impact on protein function have been reported. No submitters have cited clinical-significance assessments for this variant to ClinVar. Based on the evidence outlined above, the variant was classified as uncertain significance.